The following is an entry in ClinVar:

ClinVar aggregate classification (germline): Uncertain significance (1 of 4 stars; one submission).

Allele frequency attached by ClinVar (database versions not stated): gnomAD exomes below 0.00001; gnomAD 0.00001; TOPMed 0.00001.
gnomAD v4.1: 3 of 1,612,834 alleles (0.00019%); highest among the groups gnomAD compares: Non-Finnish European, 0.00025%; no homozygotes.

Submission:

Labcorp Genetics (formerly Invitae), Labcorp
Classification: Uncertain significance. Last evaluated: 2024-02-23. Review status: criteria provided, single submitter. Criteria: Invitae Variant Classification Sherloc (09022015). Collection method: clinical testing. Allele origin: germline.
Comment: This sequence change replaces glutamic acid, which is acidic and polar, with lysine, which is basic and polar, at codon 75 of the SKIV2L protein (p.Glu75Lys). This variant is not present in population databases (gnomAD no frequency). This variant has not been reported in the literature in individuals affected with SKIV2L-related conditions. ClinVar contains an entry for this variant (Variation ID: 1351949). An algorithm developed to predict the effect of missense changes on protein structure and function (PolyPhen-2) suggests that this variant is likely to be tolerated. In summary, the available evidence is currently insufficient to determine the role of this variant in disease. Therefore, it has been classified as a Variant of Uncertain Significance.

NM_006929.5(SKIC2):c.223G>A (p.Glu75Lys)

Gene: SKIC2 (SKI2 subunit of superkiller complex; plus strand). Cytogenetic location: 6p21.33.
Variant type: single nucleotide variant.
Coding change: c.223G>A on transcript NM_006929.5 (MANE Select); coding-DNA position 223, G replaced by A.
Protein change: p.Glu75Lys; replaces glutamic acid 75 with lysine.
Molecular consequence: missense variant.
Genome position (GRCh38, 1-based): chr6:31,960,106, G>A. VCF-style: chr6-31960106-G-A. GRCh37 (hg19) VCF-style: chr6-31927883-G-A.
Other names: short protein forms E75K.
Identifiers: ClinVar variation 1351949 (VCV001351949.7), dbSNP rs919156711, ClinGen allele CA136905581.
Genomic context (GRCh38, chr6:31,960,106, plus strand): 5'-CAGCAAGAAGCAGAACAGTTGTTTCTGTCATCCCCAGCCTGGCTGCCTCTGCATGGTGTG[G>A]AGCACTCAGCCCGGTGAGGAGTCTGGAGGGGCTTAGACTAGGGTGATGGGTTCCTGAAGG-3'
Protein context (NP_008860.4, residues 65-85): SPAWLPLHGV[Glu75Lys]HSARKWQRKT